The following is an entry in ClinVar:

ClinVar aggregate classification (germline): Uncertain significance (1 of 4 stars; one submission).

Conditions:
Cystic fibrosis (CF). Also called: MUCOVISCIDOSIS. Identifiers: Orphanet 586, MedGen C0010674, MONDO:0009061, OMIM 219700. Disease mechanism: loss of function.

Allele frequency attached by ClinVar (database versions not stated): gnomAD exomes below 0.00001.
gnomAD v4.1: 1 of 1,614,076 alleles (0.000062%); highest among the groups gnomAD compares: Non-Finnish European, 0.000085%; no homozygotes.

Submission:

Labcorp Genetics (formerly Invitae), Labcorp
Classification: Uncertain significance for Cystic fibrosis. Last evaluated: 2022-08-01. Review status: criteria provided, single submitter. Criteria: Invitae Variant Classification Sherloc (09022015). Collection method: clinical testing. Allele origin: germline.
Comment: This variant is not present in population databases (gnomAD no frequency). This sequence change replaces glutamic acid, which is acidic and polar, with glycine, which is neutral and non-polar, at codon 1433 of the CFTR protein (p.Glu1433Gly). This variant has not been reported in the literature in individuals affected with CFTR-related conditions. In summary, the available evidence is currently insufficient to determine the role of this variant in disease. Therefore, it has been classified as a Variant of Uncertain Significance. Algorithms developed to predict the effect of missense changes on protein structure and function (SIFT, PolyPhen-2, Align-GVGD) all suggest that this variant is likely to be tolerated.

NM_000492.4(CFTR):c.4298A>G (p.Glu1433Gly)

Genes: CFTR (CF transmembrane conductance regulator; plus strand), LOC111674477 (CFTR intron 23 enhancer; plus strand). Cytogenetic location: 7q31.2.
Variant type: single nucleotide variant.
Coding change: c.4298A>G on transcript NM_000492.4 (MANE Select); coding-DNA position 4298, A replaced by G.
Protein change: p.Glu1433Gly; replaces glutamic acid 1433 with glycine.
Molecular consequence: missense variant.
Genome position (GRCh38, 1-based): chr7:117,666,963, A>G. VCF-style: chr7-117666963-A-G. GRCh37 (hg19) VCF-style: chr7-117307017-A-G.
Other names: short protein forms E1433G.
Identifiers: ClinVar variation 2001307 (VCV002001307.4), dbSNP rs2485185597, ClinGen allele CA368984674.